The following is an entry in ClinVar:

NM_024989.4(PGAP1):c.1721G>A (p.Arg574Gln)

Gene: PGAP1 (post-GPI attachment to proteins inositol deacylase 1; minus strand). Cytogenetic location: 2q33.1.
Variant type: single nucleotide variant.
Coding change: c.1721G>A on transcript NM_024989.4 (MANE Select); coding-DNA position 1721, G replaced by A.
Protein change: p.Arg574Gln; replaces arginine 574 with glutamine.
Molecular consequence: missense variant.
Genome position (GRCh38, 1-based): chr2:196,872,448, C>T on the plus strand (G>A on the coding strand, the complement: PGAP1 is on the minus strand). VCF-style: chr2-196872448-C-T. GRCh37 (hg19) VCF-style: chr2-197737172-C-T.
Other names: c.1199G>A, p.Arg400Gln (NM_001321099.2); c.554G>A, p.Arg185Gln (NM_001321100.2); short protein forms R574Q, R400Q, R185Q.
Identifiers: ClinVar variation 541840 (VCV000541840.13), dbSNP rs769577378, ClinGen allele CA2040833.

ClinVar aggregate classification (germline): Conflicting classifications of pathogenicity. Review status: criteria provided, conflicting classifications (1 of 4 stars). 4 submissions from 4 submitters: Uncertain significance (3); Likely benign (1). Last evaluated 2026-01-13.

Conditions:
Inborn genetic diseases. Identifiers: MedGen C0950123, MeSH D030342.
Intellectual disability, autosomal recessive 42 (NEDDSBA). Also called: Neurodevelopmental disorder with dysmorphic features, spasticity, and brain abnormalities; GLYCOSYLPHOSPHATIDYLINOSITOL BIOSYNTHESIS DEFECT 9. Identifiers: Orphanet 88616, MedGen C4014343, MONDO:0014348, OMIM 615802.

Allele frequency attached by ClinVar (database versions not stated): gnomAD exomes 0.00001 and 0.00004; TOPMed 0.00002; ExAC 0.00004.
gnomAD v4.1: 17 of 1,596,604 alleles (0.0011%); highest among the groups gnomAD compares: Admixed American, 0.02%; no homozygotes.

Submissions (4):

Dasa
Classification: Uncertain significance for Intellectual disability, autosomal recessive 42. Last evaluated: 2026-01-13. Review status: criteria provided, single submitter. Criteria: DASA Assertion Criteria. Collection method: clinical testing. Allele origin: germline.
Comment: NM_024989.4(PGAP1):c.1721G>A (p.Arg574Gln) is a missense variant that results in the substitution of arginine with glutamine. This variant has been observed in affected individuals with PGAP1-related disorders. Also, this variant is rare in population databases. Computational prediction algorithms are consistent with a benign effect. The currently available literature and clinical evidence are not sufficient to establish a definitive association between this variant and the reported condition. Therefore, this variant is classified as a variant of uncertain significance.

Women's Health and Genetics/Laboratory Corporation of America, LabCorp
Classification: Uncertain significance. Last evaluated: 2025-04-25. Review status: criteria provided, single submitter. Criteria: LabCorp Variant Classification Summary - May 2015. Collection method: clinical testing. Allele origin: germline.
Comment: Variant summary: PGAP1 c.1721G>A (p.Arg574Gln) results in a conservative amino acid change in the encoded protein sequence. Five of five in-silico tools predict a benign effect of the variant on protein function. The variant allele was found at a frequency of 1.1e-05 in 1589634 control chromosomes in the gnomAD database (v4.1 dataset). This frequency is not significantly higher than estimated for a pathogenic variant in PGAP1 causing Intellectual Disability, Autosomal Recessive 42, allowing no conclusion about variant significance. To our knowledge, no occurrence of c.1721G>A in individuals affected with Intellectual Disability, Autosomal Recessive 42 and no experimental evidence demonstrating its impact on protein function have been reported. ClinVar contains an entry for this variant (Variation ID: 541840). Based on the evidence outlined above, the variant was classified as uncertain significance.

Labcorp Genetics (formerly Invitae), Labcorp
Classification: Uncertain significance for Intellectual disability, autosomal recessive 42. Last evaluated: 2024-07-23. Review status: criteria provided, single submitter. Criteria: Invitae Variant Classification Sherloc (09022015). Collection method: clinical testing. Allele origin: germline.
Comment: This sequence change replaces arginine, which is basic and polar, with glutamine, which is neutral and polar, at codon 574 of the PGAP1 protein (p.Arg574Gln). This variant is present in population databases (rs769577378, gnomAD 0.02%). This variant has not been reported in the literature in individuals affected with PGAP1-related conditions. ClinVar contains an entry for this variant (Variation ID: 541840). Advanced modeling of protein sequence and biophysical properties (such as structural, functional, and spatial information, amino acid conservation, physicochemical variation, residue mobility, and thermodynamic stability) performed at Invitae indicates that this missense variant is not expected to disrupt PGAP1 protein function with a negative predictive value of 80%. In summary, the available evidence is currently insufficient to determine the role of this variant in disease. Therefore, it has been classified as a Variant of Uncertain Significance.

Ambry Genetics
Classification: Likely benign for Inborn genetic diseases. Last evaluated: 2021-09-16. Review status: criteria provided, single submitter. Criteria: Ambry Variant Classification Scheme 2023. Collection method: clinical testing. Allele origin: germline.